The following is an entry in ClinVar:

NM_001105206.3(LAMA4):c.188_191delinsTGGT (p.Ala63_Ala64delinsValVal)

Genes: LAMA4 (laminin subunit alpha 4; minus strand), LAMA4-AS1 (LAMA4 antisense RNA 1; plus strand). Cytogenetic location: 6q21.
Variant type: Indel.
Coding change: c.188_191delinsTGGT on transcript NM_001105206.3 (MANE Select); coding-DNA positions 188 to 191, CGGC replaced by TGGT.
Protein change: p.Ala63_Ala64delinsValVal.
Molecular consequence: missense variant.
Genome position (GRCh38, 1-based): chr6:112,253,960-112,253,963, GCCG replaced by ACCA on the plus strand (CGGC replaced by TGGT on the coding strand, the reverse complement: LAMA4 is on the minus strand). VCF-style: chr6-112253960-GCCG-ACCA. GRCh37 (hg19) VCF-style: chr6-112575162-GCCG-ACCA.
Other names: c.188_191delinsTGGT, p.Ala63_Ala64delinsValVal (NM_001105207.3, NM_001105208.3, NM_001105209.3 and 1 more transcripts); c.188_191delCGGCinsTGGT, p.Ala63_Ala64delinsValVal (NM_002290.3).
Identifiers: ClinVar variation 3366077 (VCV003366077.1).

ClinVar aggregate classification (germline): Uncertain significance (1 of 4 stars; one submission).

Submission:

GeneDx
Classification: Uncertain significance. Last evaluated: 2023-10-12. Review status: criteria provided, single submitter. Criteria: GeneDx Variant Classification Process June 2021. Collection method: clinical testing. Allele origin: germline. Affected: yes.
Comment: Has not been previously published as pathogenic or benign to our knowledge; In silico analysis supports that this variant does not alter protein structure/function